The following is an entry in ClinVar:

ClinVar aggregate classification (germline): Pathogenic/Likely pathogenic. Review status: criteria provided, multiple submitters, no conflicts (2 of 4 stars). 18 submissions from 18 submitters: Pathogenic (13); Likely pathogenic (1). 4 of the submissions do not count toward it. Last evaluated 2026-06-16.

Conditions:
Inborn genetic diseases. Identifiers: MedGen C0950123, MeSH D030342.
DDX41-related disorder. Also called: DDX41-related condition.
DDX41-related hematologic malignancy predisposition syndrome. Also called: Myeloproliferative/lymphoproliferative neoplasms, familial (multiple types), susceptibility to; DDX41-Associated Familial Myelodysplastic Syndrome and Acute Myeloid Leukemia. Identifiers: Orphanet 488647, MedGen C4225174, MONDO:0014809, OMIM 616871.
DDX41-related disorders.
Acute myeloid leukemia (AML). Also called: Acute myeloid leukemia, adult; AML adult; Acute non-lymphocytic leukemia; Acute granulocytic leukemia; Leukemia, acute myelogenous, somatic; Leukemia, acute myeloid, somatic. Identifiers: Orphanet 519, MedGen C0023467, MeSH D015470, MONDO:0018874, OMIM 601626, HP:0004808. Disease mechanism: Constitutively activated FLT3.

Allele frequency attached by ClinVar (database versions not stated): gnomAD 0.00007; ExAC 0.00008; ESP Exome Variant Server 0.00008; gnomAD exomes 0.00009 and 0.00022; TOPMed 0.00009.

Submissions 1 to 12 of 18:

PreventionGenetics, part of Exact Sciences
Classification: Pathogenic for DDX41-related condition. Last evaluated: 2026-06-16. Review status: criteria provided, single submitter. Criteria: ACMG Guidelines, 2015. Collection method: clinical testing. Allele origin: germline.
Comment: The DDX41 c.415_418dupGATG variant is predicted to result in a frameshift and premature protein termination (p.Asp140Glyfs*2). This variant has been reported to be causative for myelodysplastic syndrome and acute myeloid leukemia (for example, see: Polprasert et al. 2015. PubMed ID: 25920683; Lewinsohn et al. 2016. PubMed ID: 26712909; Quesada et al. 2019. PubMed ID: 30963592). This variant is reported in 0.017% of alleles in individuals of European (Non-Finnish) descent in gnomAD and is interpreted as pathogenic in ClinVar. Frameshift variants in DDX41 are expected to be pathogenic. Taken together, this variant is interpreted as pathogenic.

Institute of Human Genetics, University of Leipzig Medical Center
Classification: Pathogenic for DDX41-related hematologic malignancy predisposition syndrome. Last evaluated: 2026-02-12. Review status: criteria provided, single submitter. Criteria: ACMG Guidelines, 2015. Collection method: clinical testing. Allele origin: maternal. Inheritance: Autosomal dominant inheritance. Affected: yes.
Comment: Criteria applied: PVS1,PS4

Labcorp Genetics (formerly Invitae), Labcorp
Classification: Pathogenic. Last evaluated: 2026-01-27. Review status: criteria provided, single submitter. Criteria: Invitae Variant Classification Sherloc (09022015). Collection method: clinical testing. Allele origin: germline.
Comment: This sequence change creates a premature translational stop signal (p.Asp140delinsGly*) in the DDX41 gene. It is expected to result in an absent or disrupted protein product. Loss-of-function variants in DDX41 are known to be pathogenic (PMID: 26712909, 27133828). This variant is present in population databases (rs762890562, gnomAD 0.02%). This premature translational stop signal has been observed in individuals with acute myeloid leukemia or myelodysplastic syndrome (PMID: 25920683, 30963592). It has also been observed to segregate with disease in related individuals. ClinVar contains an entry for this variant (Variation ID: 210843). For these reasons, this variant has been classified as Pathogenic.

Saint-Louis Hospital, Assistance Publique Hôpitaux de Paris
Classification: Pathogenic for DDX41-related hematologic malignancy predisposition syndrome. Last evaluated: 2025-05-13. Review status: criteria provided, single submitter. Criteria: ACMG Guidelines, 2015. Collection method: clinical testing. Allele origin: germline. Affected: yes.
Comment: The variant DDX41(NM_016222.4):c.415_418dup:p.(Asp140GlyfsTer2) is supposed to induce a frameshift and a premature stop codon. Loss-of-function variants in DDX41 are known to be pathogenic (PMID: 26712909, 27133828). It has been reported in individuals with suspected or confirmed predisposition to myeloid malignancies (Quesada et al.2019, PMID: 30963592; Lewinsohn et al, 2016, PMID: 26712909; Sébert et al, 2019, PMID: 31484648; Cardoso et al, 2016, PMID: 27133828 ).

Blueprint Genetics
Classification: Pathogenic for DDX41-related disorders. Last evaluated: 2024-09-14. Review status: criteria provided, single submitter. Criteria: ACMG Guidelines, 2015. Collection method: clinical testing. Allele origin: germline. Affected: yes. Observed: 5 variant alleles.

Ambry Genetics
Classification: Pathogenic for Inborn genetic diseases. Last evaluated: 2024-09-11. Review status: criteria provided, single submitter. Criteria: Ambry Variant Classification Scheme 2023. Collection method: clinical testing. Allele origin: germline.
Comment: The c.418_419insGATG pathogenic mutation, located in coding exon 5 of the DDX41 gene, results from an insertion of 4 nucleotides at position 418, causing a translational frameshift with a predicted alternate stop codon. This alteration has been detected as a confirmed or presumed germline finding in numerous individuals with a suspected or confirmed myeloid neoplasm (Polprasert C et al. Cancer Cell, 2015 May;27:658-70; Lewinsohn M et al. Blood, 2016 Feb;127:1017-23; Cheah JJC et al. Int J Hematol, 2017 Aug;106:163-174; Quesada AE et al. Am J Hematol, 2019 Jul;94:757-766; Drazer MW et al. Blood Adv, 2018 Jan;2:146-150; Makishima H et al. Blood, 2023 Mar;141:1544-1552; Jelloul FZ et al. Am J Hematol, 2023 Aug;98:E193-E196; Kim K et al. Cancers (Basel), 2023 Jan;15; Nyquist OE et al. Br J Haematol, 2024 Feb;204:724-729). This alteration is expected to result in loss of function by premature protein truncation or nonsense-mediated mRNA decay. As such, this alteration is interpreted as a disease-causing mutation.

Molecular Pathology, Peter Maccallum Cancer Centre
Classification: Pathogenic for DDX41-related hematologic malignancy predisposition syndrome. Last evaluated: 2024-08-02. Review status: criteria provided, single submitter. Criteria: ACMG Guidelines, 2015. Collection method: clinical testing. Allele origin: germline.

Women's Health and Genetics/Laboratory Corporation of America, LabCorp
Classification: Pathogenic for DDX41-related hematologic malignancy predisposition syndrome. Last evaluated: 2024-07-08. Review status: criteria provided, single submitter. Criteria: LabCorp Variant Classification Summary - May 2015. Collection method: clinical testing. Allele origin: germline.
Comment: Variant summary: DDX41 c.415_418dupGATG (p.Asp140GlyfsX2) results in a premature termination codon, predicted to cause a truncation of the encoded protein or absence of the protein due to nonsense mediated decay, which are commonly known mechanisms for disease. The variant allele was found at a frequency of 8.7e-05 in 251444 control chromosomes. This frequency is not significantly higher than estimated for a pathogenic variant in DDX41 causing DDX41-Related Hematologic Malignancy Predisposition Syndrome, allowing no conclusion about variant significance. c.415_418dupGATG has been reported in the literature in individuals affected with DDX41-Related Hematologic Malignancy Predisposition Syndrome (examples: Lewinsohn_2016 and Dalle_2020). These data indicate that the variant is likely to be associated with disease. The following publications have been ascertained in the context of this evaluation (PMID: 26712909, 31400013). ClinVar contains an entry for this variant (Variation ID: 210843). Based on the evidence outlined above, the variant was classified as pathogenic.

Baylor Genetics
Classification: Pathogenic for DDX41-related hematologic malignancy predisposition syndrome. Last evaluated: 2024-02-13. Review status: criteria provided, single submitter. Criteria: ACMG Guidelines, 2015. Collection method: clinical testing. Allele origin: unknown. Study: CSER-TexasKidsCanSeq.

Institute for Genomic Medicine (IGM) Clinical Laboratory, Nationwide Children's Hospital
Classification: Pathogenic for DDX41-related hematologic malignancy predisposition syndrome. Last evaluated: 2023-12-08. Review status: criteria provided, single submitter. Criteria: ACMG Guidelines, 2015. Collection method: clinical testing. Allele origin: germline.
Comment: This variant is predicted to result in loss of function through nonsense-mediated decay of the encoded transcript or premature truncation of the encoded protein in a gene in which loss of function is a known mechanism of disease (ACMG/AMP: PVS1; PMIDs:25920683, 26712909). This variant has been reported at an elevated frequency in affected individuals/in multiple affected individuals in the literature (ACMG/AMP: PS4; PMIDs:25920683, 26712909, 33585199, 33778416, 35671390). This variant has been shown to segregate with disease in multiple affected family members (ACMG/AMP: PP1; PMIDs:25920683, 26712909, 33778416).

St. Jude Molecular Pathology, St. Jude Children's Research Hospital
Classification: Pathogenic for DDX41-related hematologic malignancy predisposition syndrome. Last evaluated: 2022-06-08. Review status: criteria provided, single submitter. Criteria: St. Jude Assertion Criteria 2020. Collection method: clinical testing. Allele origin: germline.
Comment: The DDX41 c.415_418dup (p.Asp140GlyfsTer2) change causes a frameshift and the creation of a premature stop codon. This change is predicted to cause protein truncation or absence of the protein due to nonsense-mediated decay. This variant has been reported in individuals with a personal and/or family history of acute myeloid leukemia and/or myelodysplastic syndrome (PMID: 25920683, 30963592, 31400013, 31484648, 33585199). This variant has a maximum subpopulation frequency of 0.017% in gnomAD v2.1.1. In summary, this variant meets criteria to be classified as pathogenic for familial myeloproliferative/lymphoproliferative neoplasms.

GeneDx
Classification: Pathogenic. Last evaluated: 2022-03-17. Review status: criteria provided, single submitter. Criteria: GeneDx Variant Classification Process June 2021. Collection method: clinical testing. Allele origin: germline. Affected: yes.
Comment: Frameshift variant predicted to result in protein truncation or nonsense mediated decay in a gene for which loss-of-function is a known mechanism of disease; This variant is associated with the following publications: (PMID: 26944477, 29372845, 26940275, 25920683, 26712909, 30963592, 31484648, 31400013, 27819178, 28637623, 28955657, 29790872, 26917736, 33778416, 33850299, 33585199)

NM_016222.4(DDX41):c.415_418dup (p.Asp140delinsGlyTer)

Gene: DDX41 (DEAD-box helicase 41; minus strand). Cytogenetic location: 5q35.3.
Variant type: Duplication.
Coding change: c.415_418dup on transcript NM_016222.4 (MANE Select); coding-DNA positions 415 to 418, 4 bases duplicated (GATG; older notation c.415_418dupGATG).
Protein change: p.Asp140delinsGlyTer.
Molecular consequence: nonsense.
Genome position (GRCh38, 1-based): chr5:177,515,945-177,515,948, CATC duplicated on the plus strand (GATG on the coding strand, the reverse complement: DDX41 is on the minus strand). VCF-style (leftmost placement, unchanged base first): chr5-177515944-T-TCATC. GRCh37 (hg19) VCF-style: chr5-176942945-T-TCATC.
Other names: c.415_418dupGATG (NM_016222.4, NM_016222.3); c.418_419insGATG (NM_016222.2); c.37_40dup, p.Asp14delinsGlyTer (NM_001321732.2, NM_001321830.2).
Identifiers: ClinVar variation 210843 (VCV000210843.39), dbSNP rs762890562, ClinGen allele CA280919.